The following is an entry in ClinVar:

NM_001042681.2(RERE):c.4168A>G (p.Met1390Val)

Gene: RERE (arginine-glutamic acid dipeptide repeats; minus strand). Cytogenetic location: 1p36.23.
Variant type: single nucleotide variant.
Coding change: c.4168A>G on transcript NM_001042681.2 (MANE Select); coding-DNA position 4168, A replaced by G.
Protein change: p.Met1390Val; replaces methionine 1390 with valine.
Molecular consequence: missense variant.
Genome position (GRCh38, 1-based): chr1:8,358,367, T>C on the plus strand (A>G on the coding strand, the complement: RERE is on the minus strand). VCF-style: chr1-8358367-T-C. GRCh37 (hg19) VCF-style: chr1-8418427-T-C.
Other names: c.2506A>G, p.Met836Val (NM_001042682.2); c.4168A>G, p.Met1390Val (NM_012102.4); short protein forms M1390V, M836V.
Identifiers: ClinVar variation 3371497 (VCV003371497.2).
Genomic context (GRCh38, chr1:8,358,367, plus strand): 5'-TCAGCGATGCCATGCGCTCTGCGTGGATACGCTCGGCTGCCAGTCTGTCAGGGTAGCTCA[T>C]CTCGGGCCGCAGCTGGGGGCCCGCCAGGGCCAGTCTCTCCCTCTCCAAGGGGTTCAGGCC-3'
Protein context (NP_001036146.1, residues 1380-1400): ALAGPQLRPE[Met1390Val]SYPDRLAAER

ClinVar aggregate classification (germline): Likely benign (1 of 4 stars; one submission).

Submission:

GeneDx
Classification: Likely benign. Last evaluated: 2025-09-16. Review status: criteria provided, single submitter. Criteria: GeneDx Variant Classification Process June 2021. Collection method: clinical testing. Allele origin: germline. Affected: yes.
Comment: See Variant Classification Assertion Criteria.